The following is an entry in ClinVar:

ClinVar aggregate classification (germline): Uncertain significance. Review status: criteria provided, multiple submitters, no conflicts (2 of 4 stars). 2 submissions from 2 submitters: Uncertain significance (2). Last evaluated 2022-06-28.

Conditions:
Junctional epidermolysis bullosa with pyloric atresia. Also called: APLASIA CUTIS CONGENITA WITH GASTROINTESTINAL ATRESIA; CARMI SYNDROME; EB-PA-ACC; EPIDERMOLYSIS BULLOSA, JUNCTIONAL 5B, WITH PYLORIC ATRESIA; ITGB4-Related Epidermolysis Bullosa with Pyloric Atresia; ITGA6-Related Epidermolysis Bullosa with Pyloric Atresia. Identifiers: Orphanet 79403, MedGen C5676875, MONDO:0009183, OMIM 226730.

Allele frequency attached by ClinVar (database versions not stated): gnomAD exomes below 0.00001; TOPMed below 0.00001.
gnomAD v4.1: 2 of 1,613,502 alleles (0.00012%); highest among the groups gnomAD compares: Middle Eastern, 0.033%; no homozygotes.

Submissions (2):

Labcorp Genetics (formerly Invitae), Labcorp
Classification: Uncertain significance. Last evaluated: 2022-06-28. Review status: criteria provided, single submitter. Criteria: Invitae Variant Classification Sherloc (09022015). Collection method: clinical testing. Allele origin: germline.
Comment: This sequence change replaces lysine, which is basic and polar, with threonine, which is neutral and polar, at codon 967 of the ITGA6 protein (p.Lys967Thr). This variant is not present in population databases (gnomAD no frequency). This variant has not been reported in the literature in individuals affected with ITGA6-related conditions. ClinVar contains an entry for this variant (Variation ID: 893395). Algorithms developed to predict the effect of missense changes on protein structure and function (SIFT, PolyPhen-2, Align-GVGD) all suggest that this variant is likely to be tolerated. In summary, the available evidence is currently insufficient to determine the role of this variant in disease. Therefore, it has been classified as a Variant of Uncertain Significance.

Illumina Laboratory Services, Illumina
Classification: Uncertain significance for Junctional epidermolysis bullosa with pyloric atresia. Last evaluated: 2018-01-13. Review status: criteria provided, single submitter. Criteria: ICSL Variant Classification Criteria 13 December 2019. Collection method: clinical testing. Allele origin: germline.

NM_000210.4(ITGA6):c.2900A>C (p.Lys967Thr)

Genes: ITGA6 (integrin subunit alpha 6; plus strand), PDK1-AS1 (PDK1 and ITGA6 antisense RNA 1; minus strand). Cytogenetic location: 2q31.1.
Variant type: single nucleotide variant.
Coding change: c.2900A>C on transcript NM_000210.4 (MANE Select); coding-DNA position 2900, A replaced by C.
Protein change: p.Lys967Thr; replaces lysine 967 with threonine.
Molecular consequence: missense variant.
Genome position (GRCh38, 1-based): chr2:172,491,435, A>C. VCF-style: chr2-172491435-A-C. GRCh37 (hg19) VCF-style: chr2-173356163-A-C.
Other names: c.2900A>C, p.Lys967Thr (NM_001079818.3); c.2543A>C, p.Lys848Thr (NM_001316306.2); c.2855A>C, p.Lys952Thr (NM_001365529.2, NM_001365530.2); short protein forms K952T, K848T, K967T.
Identifiers: ClinVar variation 893395 (VCV000893395.6), dbSNP rs868362021, ClinGen allele CA60689944.
Genomic context (GRCh38, chr2:172,491,435, plus strand): 5'-TTGCCTAGGACACTTTTCACTTCCCTAATGCATTCACTGTCTCCAAACAGGAATATTCCA[A>C]ACTGAACTACTTGGACATTCTCATGCGAGCCTTCATTGATGTGACTGCTGCTGCCGAAAA-3'
Protein context (NP_000201.2, residues 957-977): WNSTFLEEYS[Lys967Thr]LNYLDILMRA